The following is an entry in ClinVar:

NM_000052.7(ATP7A):c.1139_1142delinsGAA (p.Val380fs)

Gene: ATP7A (ATPase copper transporting alpha; plus strand). Cytogenetic location: Xq21.1.
Variant type: Indel.
Coding change: c.1139_1142delinsGAA on transcript NM_000052.7 (MANE Select); coding-DNA positions 1139 to 1142, TGAT replaced by GAA.
Protein change: p.Val380fs; shifts the reading frame from valine 380.
Molecular consequence: frameshift variant.
Genome position (GRCh38, 1-based): chrX:77,989,761-77,989,764, TGAT replaced by GAA. VCF-style: chrX-77989761-TGAT-GAA. GRCh37 (hg19) VCF-style: chrX-77245257-TGAT-GAA.
Other names: c.1139_1142delinsGAA, p.Val380fs (NM_001282224.2); short protein forms V380fs.
Identifiers: ClinVar variation 1724680 (VCV001724680.3), dbSNP rs2522294774, ClinGen allele CA2580101473.

ClinVar aggregate classification (germline): Likely pathogenic (1 of 4 stars; one submission).

Conditions:
Menkes kinky-hair syndrome (MNK). Also called: Copper transport disease; Classic Menkes Disease; Menkes Disease. Identifiers: Orphanet 565, MedGen C0022716, MONDO:0010651, OMIM 309400.

Submission:

Myriad Genetics, Inc.
Classification: Likely pathogenic for Menkes kinky-hair syndrome. Last evaluated: 2022-02-25. Review status: criteria provided, single submitter. Criteria: Myriad Autosomal Dominant, Autosomal Recessive and X-Linked Classification Criteria (2023). Collection method: clinical testing. Allele origin: unknown.
Comment: NM_000052.5(ATP7A):c.1139_1142delTGATinsGAA(V380Gfs*7) is expected to be pathogenic in the context of ATP7A-related disorders. This variant is predicted to lead to an abnormal or absent protein product due to the creation of a premature termination codon in ATP7A, a gene where loss-of-function variants are known to be pathogenic. Please note: this variant was assessed in the context of healthy population screening.